The following is an entry in ClinVar:

ClinVar aggregate classification (germline): Uncertain significance. Review status: criteria provided, multiple submitters, no conflicts (2 of 4 stars). 3 submissions from 3 submitters: Uncertain significance (3). Last evaluated 2022-07-25.

Conditions:
Chédiak-Higashi syndrome (CHS). Also called: Chediak-Higashi Syndrome. Identifiers: Orphanet 167, MedGen C0007965, MONDO:0008963, OMIM 214500.
Inborn genetic diseases. Identifiers: MedGen C0950123, MeSH D030342.

gnomAD v4.1: 73 of 1,537,228 alleles (0.0047%); highest among the groups gnomAD compares: Non-Finnish European, 0.0061%; no homozygotes.

Submissions (3):

Labcorp Genetics (formerly Invitae), Labcorp
Classification: Uncertain significance for Chédiak-Higashi syndrome. Last evaluated: 2022-07-25. Review status: criteria provided, single submitter. Criteria: Invitae Variant Classification Sherloc (09022015). Collection method: clinical testing. Allele origin: germline.
Comment: This sequence change replaces arginine, which is basic and polar, with leucine, which is neutral and non-polar, at codon 3307 of the LYST protein (p.Arg3307Leu). This variant is present in population databases (no rsID available, gnomAD 0.005%). This variant has not been reported in the literature in individuals affected with LYST-related conditions. ClinVar contains an entry for this variant (Variation ID: 1444070). Algorithms developed to predict the effect of missense changes on protein structure and function are either unavailable or do not agree on the potential impact of this missense change (SIFT: "Tolerated"; PolyPhen-2: "Probably Damaging"; Align-GVGD: "Class C0"). In summary, the available evidence is currently insufficient to determine the role of this variant in disease. Therefore, it has been classified as a Variant of Uncertain Significance.

Ambry Genetics
Classification: Uncertain significance for Inborn genetic diseases. Last evaluated: 2022-06-24. Review status: criteria provided, single submitter. Criteria: Ambry Variant Classification Scheme 2023. Collection method: clinical testing. Allele origin: germline.

Revvity Omics, Revvity
Classification: Uncertain significance for Chédiak-Higashi syndrome. Last evaluated: 2020-02-12. Review status: criteria provided, single submitter. Criteria: ACMG Guidelines, 2015. Collection method: clinical testing. Allele origin: germline.

NM_000081.4(LYST):c.9920G>T (p.Arg3307Leu)

Gene: LYST (lysosomal trafficking regulator; minus strand). Cytogenetic location: 1q42.3.
Variant type: single nucleotide variant.
Coding change: c.9920G>T on transcript NM_000081.4 (MANE Select); coding-DNA position 9920, G replaced by T.
Protein change: p.Arg3307Leu; replaces arginine 3307 with leucine.
Molecular consequence: missense variant.
Genome position (GRCh38, 1-based): chr1:235,712,062, C>A on the plus strand (G>T on the coding strand, the complement: LYST is on the minus strand). VCF-style: chr1-235712062-C-A. GRCh37 (hg19) VCF-style: chr1-235875362-C-A.
Other names: c.9920G>T, p.Arg3307Leu (NM_001301365.1); c.9920G>T (NM_000081.3, NM_000081.2); short protein forms R3307L.
Identifiers: ClinVar variation 1444070 (VCV001444070.6), dbSNP rs756381548, ClinGen allele CA39596966.
Genomic context (GRCh38, chr1:235,712,062, plus strand): 5'-ACAAAATAACCACAAGCCCTCAGAAATATAAATTAAAAATAATTTATTGCTATACCTTCA[C>A]GGTTAACTAGGAACTCTGGAAGATAGAAAAACTCTGGGATAAGTTCTTTCACATCAGTCA-3'
Protein context (NP_000072.2, residues 3297-3317): FFYLPEFLVN[Arg3307Leu]EGFDFGVRQN